The following is an entry in ClinVar:

NM_001377334.1(PIK3C2B):c.943C>T (p.Arg315Trp)

Gene: PIK3C2B (phosphatidylinositol-4-phosphate 3-kinase catalytic subunit type 2 beta; minus strand). Cytogenetic location: 1q32.1.
Variant type: single nucleotide variant.
Coding change: c.943C>T on transcript NM_001377334.1 (MANE Select); coding-DNA position 943, C replaced by T.
Protein change: p.Arg315Trp; replaces arginine 315 with tryptophan.
Molecular consequence: missense variant.
Genome position (GRCh38, 1-based): chr1:204,465,310, G>A on the plus strand (C>T on the coding strand, the complement: PIK3C2B is on the minus strand). VCF-style: chr1-204465310-G-A. GRCh37 (hg19) VCF-style: chr1-204434438-G-A.
Other names: c.943C>T, p.Arg315Trp (NM_001377335.1, NM_002646.4); short protein forms R315W.
Identifiers: ClinVar variation 3055873 (VCV003055873.2), dbSNP rs45492196, ClinGen allele CA1348136.

ClinVar aggregate classification (germline): Benign (0 of 4 stars; one submission).

Conditions:
PIK3C2B-related disorder. Also called: PIK3C2B-related condition.

Allele frequency attached by ClinVar (database versions not stated): 1000 Genomes Project 30x 0.01811; 1000 Genomes Project 0.01837; gnomAD 0.03753; ESP Exome Variant Server 0.03883; ExAC 0.03931.
gnomAD v4.1: 71,637 of 1,609,106 alleles (4.5%); highest among the groups gnomAD compares: Non-Finnish European, 5%; 1,918 homozygotes.

Submission:

PreventionGenetics, part of Exact Sciences
Classification: Benign for PIK3C2B-related condition. Last evaluated: 2024-03-29. Review status: no assertion criteria provided. Collection method: clinical testing. Allele origin: germline.
Comment: This variant is classified as benign based on ACMG/AMP sequence variant interpretation guidelines (Richards et al. 2015 PMID: 25741868, with internal and published modifications).